The following is an entry in ClinVar:

ClinVar aggregate classification (germline): Uncertain significance (1 of 4 stars; one submission).

Conditions:
Familial adenomatous polyposis 1 (FAP1). Also called: POLYPOSIS, ADENOMATOUS INTESTINAL; FAMILIAL ADENOMATOUS POLYPOSIS 1, ATTENUATED. Identifiers: MedGen C2713442, MONDO:0021056, OMIM 175100. Disease mechanism: loss of function.

Submission:

Labcorp Genetics (formerly Invitae), Labcorp
Classification: Uncertain significance for Familial adenomatous polyposis 1. Last evaluated: 2022-12-19. Review status: criteria provided, single submitter. Criteria: Invitae Variant Classification Sherloc (09022015). Collection method: clinical testing. Allele origin: germline.
Comment: This variant is not present in population databases (gnomAD no frequency). In summary, the available evidence is currently insufficient to determine the role of this variant in disease. Therefore, it has been classified as a Variant of Uncertain Significance. Advanced modeling of protein sequence and biophysical properties (such as structural, functional, and spatial information, amino acid conservation, physicochemical variation, residue mobility, and thermodynamic stability) performed at Invitae indicates that this missense variant is not expected to disrupt APC protein function. This variant has not been reported in the literature in individuals affected with APC-related conditions. This sequence change replaces cysteine, which is neutral and slightly polar, with serine, which is neutral and polar, at codon 447 of the APC protein (p.Cys447Ser).

NM_000038.6(APC):c.1340G>C (p.Cys447Ser)

Gene: APC (APC regulator of Wnt signaling pathway; plus strand). Cytogenetic location: 5q22.2.
Variant type: single nucleotide variant.
Coding change: c.1340G>C on transcript NM_000038.6 (MANE Select); coding-DNA position 1340, G replaced by C.
Protein change: p.Cys447Ser; replaces cysteine 447 with serine.
Molecular consequence: missense variant. On other transcripts: non-coding transcript variant (2).
Genome position (GRCh38, 1-based): chr5:112,821,923, G>C. VCF-style: chr5-112821923-G-C. GRCh37 (hg19) VCF-style: chr5-112157620-G-C.
Other names: c.1340G>C, p.Cys447Ser (NM_001127510.3, NM_001354895.2, NM_001354896.2 and 4 more transcripts); c.1286G>C, p.Cys429Ser (NM_001127511.3); c.1370G>C, p.Cys457Ser (NM_001354897.2, NM_001407446.1); c.1265G>C, p.Cys422Ser (NM_001354898.2, NM_001407451.1); c.1256G>C, p.Cys419Ser (NM_001354899.2, NM_001407452.1); c.1163G>C, p.Cys388Ser (NM_001354900.2, NM_001354901.2, NM_001407453.1); c.1067G>C, p.Cys356Ser (NM_001354902.2); c.1037G>C, p.Cys346Ser (NM_001354903.2, NM_001407454.1, NM_001407455.1 and 5 more transcripts); and 5 more; short protein forms C318S, C388S, C419S, C422S, C447S, C457S, C63S, C429S.
Identifiers: ClinVar variation 2822243 (VCV002822243.3), dbSNP rs2149792069, ClinGen allele CA16024240.